The following is an entry in ClinVar:

ClinVar aggregate classification (germline): Benign (1 of 4 stars; one submission).

Submission:

Women's Health and Genetics/Laboratory Corporation of America, LabCorp
Classification: Benign. Last evaluated: 2024-07-19. Review status: criteria provided, single submitter. Criteria: LabCorp Variant Classification Summary - May 2015. Collection method: clinical testing. Allele origin: germline.
Comment: Variant summary: The variant involves the duplication of exons 1-20 in the NPHP1 gene. A presumed nomenclature of c.(?_-46)_(*444_?)dup has been designated for the purposes of this classification. This duplication includes the entire coding sequence of the gene. As exact breakpoints are unknown, it may extend beyond the annotated region of the gene, to include other flanking genes. A large duplication variant which encompasses the entire gene (and also includes other flanking genes, i.e. MALL, and MTLN; Size: ~211 kbp) was found at a frequency of 0.0046 in 117826 control chromosomes in the gnomAD database in the gnomAD database (Structural Variants v4.1 dataset), including 10 homozygotes. The observed variant frequency is approximately 8-fold of the estimated maximal expected allele frequency for a pathogenic variant in NPHP1 causing Joubert Syndrome and Related Disorders phenotype (0.00056). Duplications which include the entire NPHP1 gene, together other with flanking genes, have been reported in heterozygous individuals with various phenotypes, including e.g. autism spectrum disorder and inherited retinal dystrophies (e.g. Baris_2006, Yasuda_2014, Chen_2017, Ellingford_2018), however the lack of consistency in phenotypes, the presence of the variants in asymptomatic parents, or the absence of a second disease-causing variant in reported cases suggests that this copy number gain may represent a benign variation. To our knowledge, no experimental evidence demonstrating an impact on protein function (or gene expression) has been reported. The following publications have been ascertained in the context of this evaluation (PMID: 16892302, 25126106, 28254236, 29074561). ClinVar contains an entry for this variant (Variation ID: 3247203). Based on the evidence outlined above, the variant was classified as benign.

Literature cited by the submitters: PubMed 29074561; PubMed 16892302; PubMed 28254236; PubMed 25126106.

NC_000002.11:g.(?_110880924)_(110962591_?)dup

Gene: NPHP1 (nephrocystin 1; minus strand). Cytogenetic location: 2q13.
Variant type: Duplication.
Identifiers: ClinVar variation 3339443 (VCV003339443.1).